The following is an entry in ClinVar:

ClinVar aggregate classification (germline): Uncertain significance (1 of 4 stars; one submission).

Allele frequency attached by ClinVar (database versions not stated): gnomAD exomes 0.00001.
gnomAD v4.1: 4 of 1,614,236 alleles (0.00025%); highest among the groups gnomAD compares: Admixed American, 0.0033%; no homozygotes.

Submission:

Labcorp Genetics (formerly Invitae), Labcorp
Classification: Uncertain significance. Last evaluated: 2024-07-01. Review status: criteria provided, single submitter. Criteria: Invitae Variant Classification Sherloc (09022015). Collection method: clinical testing. Allele origin: germline.
Comment: This sequence change replaces serine, which is neutral and polar, with asparagine, which is neutral and polar, at codon 309 of the TGM6 protein (p.Ser309Asn). This variant is present in population databases (no rsID available, gnomAD 0.006%). This variant has not been reported in the literature in individuals affected with TGM6-related conditions. Advanced modeling of protein sequence and biophysical properties (such as structural, functional, and spatial information, amino acid conservation, physicochemical variation, residue mobility, and thermodynamic stability) performed at Invitae indicates that this missense variant is not expected to disrupt TGM6 protein function with a negative predictive value of 80%. In summary, the available evidence is currently insufficient to determine the role of this variant in disease. Therefore, it has been classified as a Variant of Uncertain Significance.

NM_198994.3(TGM6):c.926G>A (p.Ser309Asn)

Gene: TGM6 (transglutaminase 6; plus strand). Cytogenetic location: 20p13.
Variant type: single nucleotide variant.
Coding change: c.926G>A on transcript NM_198994.3 (MANE Select); coding-DNA position 926, G replaced by A.
Protein change: p.Ser309Asn; replaces serine 309 with asparagine.
Molecular consequence: missense variant.
Genome position (GRCh38, 1-based): chr20:2,400,381, G>A. VCF-style: chr20-2400381-G-A. GRCh37 (hg19) VCF-style: chr20-2381027-G-A.
Other names: c.926G>A, p.Ser309Asn (NM_001254734.2); short protein forms S309N.
Identifiers: ClinVar variation 2868012 (VCV002868012.3), dbSNP rs1222406514, ClinGen allele CA408011692.